The following is an entry in ClinVar:

NM_017763.6(RNF43):c.557T>C (p.Ile186Thr)

Gene: RNF43 (ring finger protein 43; minus strand). Cytogenetic location: 17q22.
Variant type: single nucleotide variant.
Coding change: c.557T>C on transcript NM_017763.6 (MANE Select); coding-DNA position 557, T replaced by C.
Protein change: p.Ile186Thr; replaces isoleucine 186 with threonine.
Molecular consequence: missense variant.
Genome position (GRCh38, 1-based): chr17:58,363,300, A>G on the plus strand (T>C on the coding strand, the complement: RNF43 is on the minus strand). VCF-style: chr17-58363300-A-G. GRCh37 (hg19) VCF-style: chr17-56440661-A-G.
Other names: c.557T>C, p.Ile186Thr (NM_001305544.3); c.176T>C, p.Ile59Thr (NM_001305545.2); short protein forms I186T, I59T.
Identifiers: ClinVar variation 3719535 (VCV003719535.2).

ClinVar aggregate classification (germline): Uncertain significance (1 of 4 stars; one submission).

Submission:

Labcorp Genetics (formerly Invitae), Labcorp
Classification: Uncertain significance. Last evaluated: 2024-06-12. Review status: criteria provided, single submitter. Criteria: Invitae Variant Classification Sherloc (09022015). Collection method: clinical testing. Allele origin: germline.
Comment: This sequence change replaces isoleucine, which is neutral and non-polar, with threonine, which is neutral and polar, at codon 186 of the RNF43 protein (p.Ile186Thr). This variant is not present in population databases (gnomAD no frequency). This variant has not been reported in the literature in individuals affected with RNF43-related conditions. An algorithm developed to predict the effect of missense changes on protein structure and function (PolyPhen-2) suggests that this variant is likely to be disruptive. In summary, the available evidence is currently insufficient to determine the role of this variant in disease. Therefore, it has been classified as a Variant of Uncertain Significance.